The following is an entry in ClinVar:

ClinVar aggregate classification (germline): Conflicting classifications of pathogenicity. Review status: criteria provided, conflicting classifications (1 of 4 stars). 3 submissions from 3 submitters: Likely pathogenic (1); Uncertain significance (1). 1 of the submissions does not count toward it. Last evaluated 2026-01-19.

Conditions:
Abnormal bleeding. Also called: Bleeding diathesis. Identifiers: MedGen C1458140, HP:0001892.
Thrombocytopenia. Identifiers: MedGen C0040034, MeSH D013921, MONDO:0002049, HP:0001873.
Macrothrombocytopenia, isolated, 1, autosomal dominant (MACTHC1). Also called: Autosomal dominant macrothrombocytopenia TUBB1-related. Identifiers: Orphanet 140957, MedGen C5676892, MONDO:0800047, OMIM 613112.

Submissions (3):

Labcorp Genetics (formerly Invitae), Labcorp
Classification: Uncertain significance. Last evaluated: 2026-01-19. Review status: criteria provided, single submitter. Criteria: Invitae Variant Classification Sherloc (09022015). Collection method: clinical testing. Allele origin: germline.
Comment: This sequence change creates a premature translational stop signal (p.Leu361Alafs*19) in the TUBB1 gene. While this is not anticipated to result in nonsense mediated decay, it is expected to disrupt the last 91 amino acid(s) of the TUBB1 protein. This variant is not present in population databases (gnomAD no frequency). This premature translational stop signal has been observed in individual(s) with thrombocytopenia (PMID: 27479822, 32757236). This variant is also known as c.1080_1081insG. ClinVar contains an entry for this variant (Variation ID: 988877). Experimental studies and prediction algorithms are not available or were not evaluated, and the functional significance of this variant is currently unknown. In summary, the available evidence is currently insufficient to determine the role of this variant in disease. Therefore, it has been classified as a Variant of Uncertain Significance.

Department of Pathology and Laboratory Medicine, Sinai Health System
Classification: Likely pathogenic for macrothrombocytopenia, isolated, 1, autosomal dominant. Last evaluated: 2022-04-01. Review status: criteria provided, single submitter. Criteria: ACMG Guidelines, 2015. Collection method: research. Allele origin: germline.

Birmingham Platelet Group; University of Birmingham
Classification: Likely pathogenic for Thrombocytopenia; Abnormal bleeding. Last evaluated: 2020-05-01. Review status: no assertion criteria provided. Collection method: research. Allele origin: germline. Affected: yes. Not counted in ClinVar's aggregate classification.

Literature cited by the submitters: PubMed 27479822 (cited by Labcorp Genetics (formerly Invitae), Labcorp); PubMed 32757236 (cited by Labcorp Genetics (formerly Invitae), Labcorp).

NM_030773.4(TUBB1):c.1080dup (p.Leu361fs)

Gene: TUBB1 (tubulin beta 1 class VI; plus strand). Cytogenetic location: 20q13.32.
Variant type: Duplication.
Coding change: c.1080dup on transcript NM_030773.4 (MANE Select); coding-DNA position 1080, one base duplicated (G; older notation c.1080dupG).
Protein change: p.Leu361fs; shifts the reading frame from leucine 361.
Molecular consequence: frameshift variant.
Genome position (GRCh38, 1-based): chr20:59,024,507, G duplicated; the last of 5 consecutive G bases (chr20:59,024,503-59,024,507); duplicating any one gives the same sequence. VCF-style (leftmost placement, unchanged base first): chr20-59024502-C-CG. GRCh37 (hg19) VCF-style: chr20-57599557-C-CG.
Other names: short protein forms L361fs.
Identifiers: ClinVar variation 988877 (VCV000988877.3), dbSNP rs1300096139, ClinGen allele CA746053221.
Genomic context (GRCh38, chr20:59,024,502, plus strand): 5'-AGCTGCTTTGTGGAGTGGATTCCCAACAACGTCAAGGTGGCTGTCTGCGACATCCCGCCC[C>CG]GGGGGCTGAGCATGGCCGCCACCTTCATTGGCAACAACACGGCCATCCAAGAGATCTTTA-3'